The following is an entry in ClinVar:

NM_020719.3(PRR12):c.2683_2701del (p.Gly895fs)

Gene: PRR12 (proline rich 12; plus strand). Cytogenetic location: 19q13.33.
Variant type: Deletion.
Coding change: c.2683_2701del on transcript NM_020719.3 (MANE Select); coding-DNA positions 2683 to 2701, 19 bases deleted (GGGGATACTGGCGTAGGCC).
Protein change: p.Gly895fs; shifts the reading frame from glycine 895.
Molecular consequence: frameshift variant.
Genome position (GRCh38, 1-based): chr19:49,597,018-49,597,036, GGGGATACTGGCGTAGGCC deleted. VCF-style (leftmost placement, unchanged base first): chr19-49597017-TGGGGATACTGGCGTAGGCC-T. GRCh37 (hg19) VCF-style: chr19-50100274-TGGGGATACTGGCGTAGGCC-T.
Other names: short protein forms G895fs.
Identifiers: ClinVar variation 5018892 (VCV005018892.1).

ClinVar aggregate classification (germline): Pathogenic (1 of 4 stars; one submission).

Conditions:
Neuroocular syndrome 1 (NOC1). Identifiers: Orphanet 659904, MedGen C5925133, MONDO:0971007, OMIM 619539.

Submission:

Juno Genomics, Hangzhou Juno Genomics, Inc
Classification: Pathogenic for Neuroocular syndrome 1. Review status: criteria provided, single submitter. Criteria: ACMG Guidelines, 2015. Collection method: clinical testing. Allele origin: germline. Affected: yes.
Comment: Absent from controls (or at extremely low frequency if recessive) in Genome Aggregation Database.;Null variant in a gene where loss of function (LOF) is a known mechanism of disease.;Assumed de novo, but without confirmation of paternity and maternity.